The following is an entry in ClinVar:

ClinVar aggregate classification (germline): Uncertain significance (1 of 4 stars; one submission).

Submission:

Labcorp Genetics (formerly Invitae), Labcorp
Classification: Uncertain significance. Last evaluated: 2023-12-15. Review status: criteria provided, single submitter. Criteria: Invitae Variant Classification Sherloc (09022015). Collection method: clinical testing. Allele origin: germline.
Comment: This sequence change replaces serine, which is neutral and polar, with leucine, which is neutral and non-polar, at codon 24 of the SETBP1 protein (p.Ser24Leu). This variant is not present in population databases (gnomAD no frequency). This variant has not been reported in the literature in individuals affected with SETBP1-related conditions. An algorithm developed to predict the effect of missense changes on protein structure and function (PolyPhen-2) suggests that this variant is likely to be disruptive. In summary, the available evidence is currently insufficient to determine the role of this variant in disease. Therefore, it has been classified as a Variant of Uncertain Significance.

NM_015559.3(SETBP1):c.71C>T (p.Ser24Leu)

Gene: SETBP1 (SET binding protein 1; plus strand). Cytogenetic location: 18q12.3.
Variant type: single nucleotide variant.
Coding change: c.71C>T on transcript NM_015559.3 (MANE Select); coding-DNA position 71, C replaced by T.
Protein change: p.Ser24Leu; replaces serine 24 with leucine.
Molecular consequence: missense variant.
Genome position (GRCh38, 1-based): chr18:44,701,417, C>T. VCF-style: chr18-44701417-C-T. GRCh37 (hg19) VCF-style: chr18-42281382-C-T.
Other names: c.71C>T, p.Ser24Leu (NM_001130110.2, NM_001379141.1, NM_001379142.1 and 1 more transcripts); short protein forms S24L.
Identifiers: ClinVar variation 2870784 (VCV002870784.3), dbSNP rs2511331720, ClinGen allele CA402481380.